The following is an entry in ClinVar:

NM_016580.4(PCDH12):c.3534_3535insGGCAGCAGCAGCAGC (p.Ser1178_Ser1179insGlySerSerSerSer)

Gene: PCDH12 (protocadherin 12; minus strand). Cytogenetic location: 5q31.3.
Variant type: Microsatellite.
Coding change: c.3534_3535insGGCAGCAGCAGCAGC on transcript NM_016580.4 (MANE Select); coding-DNA positions 3534 to 3535, GGCAGCAGCAGCAGC inserted.
Protein change: p.Ser1178_Ser1179insGlySerSerSerSer.
Molecular consequence: inframe insertion.
Genome position: GRCh38 VCF-style: chr5-141945401-T-TGCTGCTGCTGCTGCC. GRCh37 (hg19) VCF-style: chr5-141324966-T-TGCTGCTGCTGCTGCC.
Identifiers: ClinVar variation 1410707 (VCV001410707.7), dbSNP rs532090538.

ClinVar aggregate classification (germline): Uncertain significance (1 of 4 stars; one submission).

Submission:

Labcorp Genetics (formerly Invitae), Labcorp
Classification: Uncertain significance. Last evaluated: 2021-10-12. Review status: criteria provided, single submitter. Criteria: Invitae Variant Classification Sherloc (09022015). Collection method: clinical testing. Allele origin: germline.
Comment: This variant, c.3534_3535insGGCAGCAGCAGCAGC, results in the insertion of 5 amino acid(s) to the PCDH12 protein (p.Ser1178_Ser1179insGlySerSerSerSer), but otherwise preserves the integrity of the reading frame. The frequency data for this variant in the population databases is considered unreliable, as metrics indicate poor data quality at this position in the ExAC database. This variant has not been reported in the literature in individuals affected with PCDH12-related conditions. Experimental studies and prediction algorithms are not available or were not evaluated, and the functional significance of this variant is currently unknown. In summary, the available evidence is currently insufficient to determine the role of this variant in disease. Therefore, it has been classified as a Variant of Uncertain Significance.